The following is an entry in ClinVar:

NM_001042472.3(ABHD12):c.960C>T (p.His320=)

Gene: ABHD12 (abhydrolase domain containing 12, lysophospholipase; minus strand). Cytogenetic location: 20p11.21.
Variant type: single nucleotide variant.
Coding change: c.960C>T on transcript NM_001042472.3 (MANE Select); coding-DNA position 960, C replaced by T.
Protein change: p.His320=; no amino-acid change (histidine 320 retained).
Molecular consequence: synonymous variant.
Genome position (GRCh38, 1-based): chr20:25,303,619, G>A on the plus strand (C>T on the coding strand, the complement: ABHD12 is on the minus strand). VCF-style: chr20-25303619-G-A. GRCh37 (hg19) VCF-style: chr20-25284255-G-A.
Other names: c.960C>T, p.His320= (NM_015600.5).
Identifiers: ClinVar variation 895670 (VCV000895670.40), dbSNP rs146195280, ClinGen allele CA9795919.
Genomic context (GRCh38, chr20:25,303,619, plus strand): 5'-AAGCTGGAAGGGCACCACCGGGTCGTCCTCAGCGTGCAGGATGAGCAGGGGACAGGAGAT[G>A]TGCTTCACGCTGTAGGAGGGAGAAGGGGCTAGACCAAGACCAGGGAAAGGGCAGAGTTGC-3'
Protein context (NP_001035937.1, residues 310-330): IKFANDENVK[His320=]ISCPLLILHA

ClinVar aggregate classification (germline): Conflicting classifications of pathogenicity. Review status: criteria provided, conflicting classifications (1 of 4 stars). 4 submissions from 4 submitters: Uncertain significance (1); Likely benign (3). Last evaluated 2026-01-19.

Conditions:
PHARC syndrome. Also called: Polyneuropathy-hearing loss-ataxia-retinitis pigmentosa-cataract syndrome. Identifiers: Orphanet 171848, MedGen C2675204, MONDO:0012984, OMIM 612674.

Allele frequency attached by ClinVar (database versions not stated): 1000 Genomes Project 30x 0.00016; 1000 Genomes Project 0.00020; gnomAD 0.00023 and 0.00024; TOPMed 0.00024; ESP Exome Variant Server 0.00038; gnomAD exomes 0.00046 and 0.00052; ExAC 0.00052.
gnomAD v4.1: 807 of 1,613,768 alleles (0.05%); highest among the groups gnomAD compares: Middle Eastern, 0.28%; 1 homozygote.

Submissions (4):

Labcorp Genetics (formerly Invitae), Labcorp
Classification: Likely benign. Last evaluated: 2026-01-19. Review status: criteria provided, single submitter. Criteria: Invitae Variant Classification Sherloc (09022015). Collection method: clinical testing. Allele origin: germline.

CeGaT Center for Human Genetics Tuebingen
Classification: Likely benign. Last evaluated: 2025-06-01. Review status: criteria provided, single submitter. Criteria: CeGaT Center For Human Genetics Tuebingen Variant Classification Criteria Version 2. Collection method: clinical testing. Allele origin: germline. Affected: yes. Observed: 4 variant alleles.
Comment: ABHD12: BP4, BP7

Blueprint Genetics
Classification: Likely benign. Last evaluated: 2024-10-10. Review status: criteria provided, single submitter. Criteria: ACMG Guidelines, 2015. Collection method: clinical testing. Allele origin: germline.

Illumina Laboratory Services, Illumina
Classification: Uncertain significance for PHARC syndrome. Last evaluated: 2018-01-12. Review status: criteria provided, single submitter. Criteria: ICSL Variant Classification Criteria 13 December 2019. Collection method: clinical testing. Allele origin: germline.